The following is an entry in ClinVar:

NM_000748.3(CHRNB2):c.1250G>A (p.Gly417Glu)

Gene: CHRNB2 (cholinergic receptor nicotinic beta 2 subunit; plus strand). Cytogenetic location: 1q21.3.
Variant type: single nucleotide variant.
Coding change: c.1250G>A on transcript NM_000748.3 (MANE Select); coding-DNA position 1250, G replaced by A.
Protein change: p.Gly417Glu; replaces glycine 417 with glutamic acid.
Molecular consequence: missense variant.
Genome position (GRCh38, 1-based): chr1:154,572,073, G>A. VCF-style: chr1-154572073-G-A. GRCh37 (hg19) VCF-style: chr1-154544549-G-A.
Other names: c.1250G>A (NM_000748.2); short protein forms G417E.
Identifiers: ClinVar variation 1427268 (VCV001427268.7), dbSNP rs1191094208, ClinGen allele CA342631780.

ClinVar aggregate classification (germline): Uncertain significance. Review status: criteria provided, multiple submitters, no conflicts (2 of 4 stars). 2 submissions from 2 submitters: Uncertain significance (2). Last evaluated 2023-09-23.

Conditions:
Familial sleep-related hypermotor epilepsy. Also called: Autosomal Dominant Sleep-Related Hypermotor (Hyperkinetic) Epilepsy. Identifiers: Orphanet 98784, MedGen C3696898, MONDO:0000030.
Inborn genetic diseases. Identifiers: MedGen C0950123, MeSH D030342.

Allele frequency attached by ClinVar (database versions not stated): gnomAD 0.00001; TOPMed below 0.00001.
gnomAD v4.1: 18 of 1,535,490 alleles (0.0012%); highest among the groups gnomAD compares: Non-Finnish European, 0.0015%; no homozygotes.

Submissions (2):

Ambry Genetics
Classification: Uncertain significance for Inborn genetic diseases. Last evaluated: 2023-09-23. Review status: criteria provided, single submitter. Criteria: Ambry Variant Classification Scheme 2023. Collection method: clinical testing. Allele origin: germline.

Labcorp Genetics (formerly Invitae), Labcorp
Classification: Uncertain significance. Last evaluated: 2021-11-23. Review status: criteria provided, single submitter. Criteria: Invitae Variant Classification Sherloc (09022015). Collection method: clinical testing. Allele origin: germline.
Comment: This variant has not been reported in the literature in individuals affected with CHRNB2-related conditions. This variant is not present in population databases (gnomAD no frequency). This sequence change replaces glycine, which is neutral and non-polar, with glutamic acid, which is acidic and polar, at codon 417 of the CHRNB2 protein (p.Gly417Glu). Advanced modeling of protein sequence and biophysical properties (such as structural, functional, and spatial information, amino acid conservation, physicochemical variation, residue mobility, and thermodynamic stability) performed at Invitae indicates that this missense variant is not expected to disrupt CHRNB2 protein function. In summary, the available evidence is currently insufficient to determine the role of this variant in disease. Therefore, it has been classified as a Variant of Uncertain Significance.